The following is an entry in ClinVar:

NM_007055.4(POLR3A):c.342C>A (p.His114Gln)

Genes: POLR3A (RNA polymerase III subunit A; minus strand), LOC126860971 (CDK7 strongly-dependent group 2 enhancer GRCh37_chr10:79784551-79785750; plus strand). Cytogenetic location: 10q22.3.
Variant type: single nucleotide variant.
Coding change: c.342C>A on transcript NM_007055.4 (MANE Select); coding-DNA position 342, C replaced by A.
Protein change: p.His114Gln; replaces histidine 114 with glutamine.
Molecular consequence: missense variant.
Genome position (GRCh38, 1-based): chr10:78,025,119, G>T on the plus strand (C>A on the coding strand, the complement: POLR3A is on the minus strand). VCF-style: chr10-78025119-G-T. GRCh37 (hg19) VCF-style: chr10-79784877-G-T.
Other names: short protein forms H114Q.
Identifiers: ClinVar variation 1517733 (VCV001517733.4), dbSNP rs538367529, ClinGen allele CA5571719.

ClinVar aggregate classification (germline): Uncertain significance (1 of 4 stars; one submission).

Allele frequency attached by ClinVar (database versions not stated): ExAC 0.00002; gnomAD 0.00003 and 0.00004; TOPMed 0.00005; 1000 Genomes Project 0.00040; 1000 Genomes Project 30x 0.00062.
gnomAD v4.1: 8 of 1,614,204 alleles (0.0005%); highest among the groups gnomAD compares: African/African-American, 0.011%; no homozygotes.

Submission:

Labcorp Genetics (formerly Invitae), Labcorp
Classification: Uncertain significance. Last evaluated: 2021-11-27. Review status: criteria provided, single submitter. Criteria: Invitae Variant Classification Sherloc (09022015). Collection method: clinical testing. Allele origin: germline.
Comment: In summary, the available evidence is currently insufficient to determine the role of this variant in disease. Therefore, it has been classified as a Variant of Uncertain Significance. Algorithms developed to predict the effect of missense changes on protein structure and function (SIFT, PolyPhen-2, Align-GVGD) all suggest that this variant is likely to be tolerated. This variant has not been reported in the literature in individuals affected with POLR3A-related conditions. This variant is present in population databases (rs538367529, gnomAD 0.007%). This sequence change replaces histidine, which is basic and polar, with glutamine, which is neutral and polar, at codon 114 of the POLR3A protein (p.His114Gln).